The following is an entry in ClinVar:

ClinVar aggregate classification (germline): Uncertain significance (1 of 4 stars; one submission).

gnomAD v4.1: 10 of 1,611,240 alleles (0.00062%); highest among the groups gnomAD compares: Non-Finnish European, 0.00051%; no homozygotes.

Submission:

Labcorp Genetics (formerly Invitae), Labcorp
Classification: Uncertain significance. Last evaluated: 2025-03-31. Review status: criteria provided, single submitter. Criteria: Invitae Variant Classification Sherloc (09022015). Collection method: clinical testing. Allele origin: germline.
Comment: This sequence change replaces threonine, which is neutral and polar, with methionine, which is neutral and non-polar, at codon 992 of the ARID1B protein (p.Thr992Met). The frequency data for this variant in the population databases is considered unreliable, as metrics indicate poor data quality at this position in the gnomAD database. This variant has not been reported in the literature in individuals affected with ARID1B-related conditions. Invitae Evidence Modeling of protein sequence and biophysical properties (such as structural, functional, and spatial information, amino acid conservation, physicochemical variation, residue mobility, and thermodynamic stability) indicates that this missense variant is not expected to disrupt ARID1B protein function with a negative predictive value of 95%. In summary, the available evidence is currently insufficient to determine the role of this variant in disease. Therefore, it has been classified as a Variant of Uncertain Significance.

NM_001374828.1(ARID1B):c.3185C>T (p.Thr1062Met)

Gene: ARID1B (AT-rich interaction domain 1B; plus strand). Cytogenetic location: 6q25.3.
Variant type: single nucleotide variant.
Coding change: c.3185C>T on transcript NM_001374828.1 (MANE Select); coding-DNA position 3185, C replaced by T.
Protein change: p.Thr1062Met; replaces threonine 1062 with methionine.
Molecular consequence: missense variant.
Genome position (GRCh38, 1-based): chr6:157,167,135, C>T. VCF-style: chr6-157167135-C-T. GRCh37 (hg19) VCF-style: chr6-157488269-C-T.
Other names: c.3005C>T, p.Thr1002Met (NM_001438487.1); c.686C>T, p.Thr229Met (NM_001438488.1, NM_001363725.2); c.3185C>T, p.Thr1062Met (NM_017519.3); c.3224C>T, p.Thr1075Met (NM_001371656.1, NM_001374820.1); c.3314C>T, p.Thr1105Met (NM_001438482.1); c.3227C>T, p.Thr1076Met (NM_001438483.1, NM_001438486.1); c.3095C>T, p.Thr1032Met (NM_001438485.1); short protein forms T1002M, T1032M, T1105M, T1062M, T1076M, T229M, T1075M.
Identifiers: ClinVar variation 4772563 (VCV004772563.1).